The following is an entry in ClinVar:

ClinVar aggregate classification (germline): Uncertain significance (1 of 4 stars; one submission).

Submission:

CeGaT Center for Human Genetics Tuebingen
Classification: Uncertain significance. Last evaluated: 2023-09-01. Review status: criteria provided, single submitter. Criteria: CeGaT Center For Human Genetics Tuebingen Variant Classification Criteria Version 2. Collection method: clinical testing. Allele origin: germline. Affected: yes. Observed: 1 variant allele.
Comment: CSPP1: PM2:Supporting, BP4

NM_001382391.1(CSPP1):c.1602T>C (p.Asp534=)

Gene: CSPP1 (centrosome and spindle pole associated protein 1; plus strand). Cytogenetic location: 8q13.2.
Variant type: single nucleotide variant.
Coding change: c.1602T>C on transcript NM_001382391.1 (MANE Select); coding-DNA position 1602, T replaced by C.
Protein change: p.Asp534=; no amino-acid change (aspartic acid 534 retained).
Molecular consequence: synonymous variant.
Genome position (GRCh38, 1-based): chr8:67,118,353, T>C. VCF-style: chr8-67118353-T-C. GRCh37 (hg19) VCF-style: chr8-68030588-T-C.
Other names: c.705T>C, p.Asp235= (NM_001291339.2); c.1521T>C, p.Asp507= (NM_001363131.2); c.1560T>C, p.Asp520= (NM_001363132.2); c.1479T>C, p.Asp493= (NM_001363133.2); c.1668T>C, p.Asp556= (NM_001364869.1); c.1488T>C, p.Asp496= (NM_001364870.1); c.1587T>C, p.Asp529= (NM_024790.7).
Identifiers: ClinVar variation 2658635 (VCV002658635.24), dbSNP rs2488964312, ClinGen allele CA461296403.
Genomic context (GRCh38, chr8:67,118,353, plus strand): 5'-TAACTATCGAACTCCTTATGATGATGCATACTATTTTTATGGGTCCAGGAATACTTTCGA[T>C]CCCAGTCTTGCTTATTGTAAGTTATCTATAGGGTAAGCATTTTCTCCCCGCTTGGCTCAA-3'
Protein context (NP_001369320.1, residues 524-544): YYFYGSRNTF[Asp534=]PSLAYYGSGM